The following is an entry in ClinVar:

NM_000037.4(ANK1):c.3245_3248del (p.Gly1081_Ser1082insTer)

Gene: ANK1 (ankyrin 1; minus strand). Cytogenetic location: 8p11.21.
Variant type: Deletion.
Coding change: c.3245_3248del on transcript NM_000037.4 (MANE Select); coding-DNA positions 3245 to 3248, 4 bases deleted (CCCT; older notation c.3245_3248delCCCT).
Protein change: p.Gly1081_Ser1082insTer.
Molecular consequence: nonsense.
Genome position (GRCh38, 1-based): chr8:41,694,671-41,694,674, AGGG deleted on the plus strand (CCCT on the coding strand, the reverse complement: ANK1 is on the minus strand); deleting any 4 consecutive bases within chr8:41,694,671-41,694,676 gives the same sequence; the c. name uses the placement nearest the transcript's 3' end. VCF-style (leftmost placement, unchanged base first): chr8-41694670-CAGGG-C. GRCh37 (hg19) VCF-style: chr8-41552188-CAGGG-C.
Other names: c.3368_3371del, p.Gly1122_Ser1123insTer (NM_001142446.2); c.3245_3248del, p.Gly1081_Ser1082insTer (NM_020475.3, NM_020476.3, NM_020477.3).
Identifiers: ClinVar variation 3766471 (VCV003766471.1).

ClinVar aggregate classification (germline): Pathogenic (1 of 4 stars; one submission).

Conditions:
Hereditary spherocytosis type 1. Also called: Spherocytosis type 1; ANK1-Related Spherocytosis. Identifiers: Orphanet 822, MedGen C2674218, MONDO:0008447, OMIM 182900.

Submission:

ARUP Laboratories, Molecular Genetics and Genomics, ARUP Laboratories
Classification: Pathogenic for Hereditary spherocytosis type 1. Last evaluated: 2023-12-07. Review status: criteria provided, single submitter. Criteria: ARUP Molecular Germline Variant Investigation Process 2024. Collection method: clinical testing. Allele origin: germline.
Comment: The ANK1 c.3245_3248del; p.Ser1082Ter variant, to our knowledge, is not reported in the medical literature or gene specific databases. This variant is also absent from the Genome Aggregation Database (v2.1.1), indicating it is not a common polymorphism. This variant induces an early termination codon and is predicted to result in a truncated protein or mRNA subject to nonsense-mediated decay. Based on available information, this variant is considered to be pathogenic.